The following is an entry in ClinVar:

ClinVar aggregate classification (germline): Uncertain significance (1 of 4 stars; one submission).

Conditions:
Supravalvar aortic stenosis (SVAS). Also called: Supravalvar aortic stenosis, Eisenberg type. Identifiers: Orphanet 3193, MedGen C0003499, MONDO:0008504, OMIM 185500, HP:0004381.

Allele frequency attached by ClinVar (database versions not stated): TOPMed below 0.00001; gnomAD exomes 0.00001; ExAC 0.00002.

Submission:

Labcorp Genetics (formerly Invitae), Labcorp
Classification: Uncertain significance for Supravalvar aortic stenosis. Last evaluated: 2023-12-09. Review status: criteria provided, single submitter. Criteria: Invitae Variant Classification Sherloc (09022015). Collection method: clinical testing. Allele origin: germline.
Comment: This sequence change replaces glycine, which is neutral and non-polar, with serine, which is neutral and polar, at codon 80 of the ELN protein (p.Gly80Ser). This variant is present in population databases (rs782189461, gnomAD 0.006%). This variant has not been reported in the literature in individuals affected with ELN-related conditions. Advanced modeling of protein sequence and biophysical properties (such as structural, functional, and spatial information, amino acid conservation, physicochemical variation, residue mobility, and thermodynamic stability) performed at Invitae indicates that this missense variant is not expected to disrupt ELN protein function with a negative predictive value of 80%. In summary, the available evidence is currently insufficient to determine the role of this variant in disease. Therefore, it has been classified as a Variant of Uncertain Significance.

NM_000501.4(ELN):c.238G>A (p.Gly80Ser)

Gene: ELN (elastin; plus strand). Cytogenetic location: 7q11.23.
Variant type: single nucleotide variant.
Coding change: c.238G>A on transcript NM_000501.4 (MANE Select); coding-DNA position 238, G replaced by A.
Protein change: p.Gly80Ser; replaces glycine 80 with serine.
Molecular consequence: missense variant.
Genome position (GRCh38, 1-based): chr7:74,042,619, G>A. VCF-style: chr7-74042619-G-A. GRCh37 (hg19) VCF-style: chr7-73456949-G-A.
Other names: c.208G>A, p.Gly70Ser (NM_001081752.3, NM_001278914.2, NM_001278917.2 and 1 more transcripts); c.238G>A, p.Gly80Ser (NM_001081753.3, NM_001081754.3, NM_001081755.3 and 4 more transcripts); c.202G>A, p.Gly68Ser (NM_001278913.2); short protein forms G80S, G68S, G70S.
Identifiers: ClinVar variation 2984539 (VCV002984539.3), dbSNP rs782189461, ClinGen allele CA4292406.